The following is an entry in ClinVar:

ClinVar aggregate classification (germline): Pathogenic. Review status: criteria provided, multiple submitters, no conflicts (2 of 4 stars). 2 submissions from 2 submitters: Pathogenic (2). Last evaluated 2023-07-17.

Conditions:
X-linked Alport syndrome (ATS1). Also called: NEPHROPATHY AND DEAFNESS, X-LINKED; COL4A5-Related Nephropathy. Identifiers: Orphanet 63, Orphanet 88917, MedGen C4746986, MONDO:0010520, OMIM 301050.

Submissions (2):

Victorian Clinical Genetics Services, Murdoch Childrens Research Institute
Classification: Pathogenic for X-linked Alport syndrome. Last evaluated: 2023-07-17. Review status: criteria provided, single submitter. Criteria: ACMG Guidelines, 2015. Collection method: clinical testing. Allele origin: germline. Inheritance: X-linked dominant inheritance. Affected: yes.
Comment: Based on the classification scheme VCGS_Germline_v1.3.4, this variant is classified as Pathogenic. Following criteria are met: 0103 - Dominant negative and loss of function are known mechanisms of disease in this gene and are associated with X-linked Alport syndrome 1 (MIM#301050). Dominant negative is caused mostly by glycine substitutions that affect the conformation of the protein, and loss of function can be caused by either protein truncating or missense variants (PMID: 24046192, 12028435). (I) 0110 - This gene is associated with X-linked dominant disease. Males are typically more severely affected than females (PMID: 19965530). (I) 0115 - Variants in this gene are known to have variable expressivity. There is intrafamilial variability among affected carrier females, possibly due to variable X-inactivation (PMID: 14514738). (I) 0200 - Variant is predicted to result in a missense amino acid change from glycine to arginine. (I) 0253 - This variant is hemizygous. (I) 0301 - Variant is absent from gnomAD (both v2 and v3). (SP) 0501 - Missense variant consistently predicted to be damaging by multiple in silico tools or highly conserved with a major amino acid change. (SP) 0601 - Variant is located in the well-established functional glycine change within the essential G-X-Y repeat (DECIPHER). (SP) 0801 - This variant has strong previous evidence of pathogenicity in unrelated individuals. This variant, and an alternative nucleotide change resulting in the same protein outcome (c.973G>A) have been reported as pathogenic, and observed in both hemizygous and heterozygous individuals with Alport syndrome (ClinVar, PMID: 11223851, PMID: 15780079, PMID: 30968591, PMID: 36553470). (SP) 1208 - Inheritance information for this variant is not currently available in this individual. (I) Legend: (SP) - Supporting pathogenic, (I) - Information, (SB) - Supporting benign

Institute of Human Genetics Munich, TUM University Hospital
Classification: Pathogenic for X-linked Alport syndrome. Last evaluated: 2019-06-07. Review status: criteria provided, single submitter. Criteria: Classification criteria August 2017. Collection method: clinical testing. Allele origin: germline. Inheritance: X-linked inheritance. Affected: yes. Observed: 1 hemizygote.

Literature cited by the submitters: PubMed 11223851 (cited by Victorian Clinical Genetics Services, Murdoch Childrens Research Institute); PubMed 12028435 (cited by Victorian Clinical Genetics Services, Murdoch Childrens Research Institute); PubMed 14514738 (cited by Victorian Clinical Genetics Services, Murdoch Childrens Research Institute); PubMed 15780079 (cited by Victorian Clinical Genetics Services, Murdoch Childrens Research Institute); PubMed 19965530 (cited by Victorian Clinical Genetics Services, Murdoch Childrens Research Institute); PubMed 24046192 (cited by Victorian Clinical Genetics Services, Murdoch Childrens Research Institute); PubMed 30968591 (cited by Victorian Clinical Genetics Services, Murdoch Childrens Research Institute); PubMed 36553470 (cited by Victorian Clinical Genetics Services, Murdoch Childrens Research Institute).

NM_033380.3(COL4A5):c.973G>C (p.Gly325Arg)

Gene: COL4A5 (collagen type IV alpha 5 chain; plus strand). Cytogenetic location: Xq22.3.
Variant type: single nucleotide variant.
Coding change: c.973G>C on transcript NM_033380.3 (MANE Select); coding-DNA position 973, G replaced by C.
Protein change: p.Gly325Arg; replaces glycine 325 with arginine.
Molecular consequence: missense variant.
Genome position (GRCh38, 1-based): chrX:108,582,920, G>C. VCF-style: chrX-108582920-G-C. GRCh37 (hg19) VCF-style: chrX-107826150-G-C.
Other names: c.973G>C, p.Gly325Arg (NM_000495.5); c.973G>C (NM_033380.2); short protein forms G325R.
Identifiers: ClinVar variation 807568 (VCV000807568.4), dbSNP rs104886088, ClinGen allele CA413927642.
Genomic context (GRCh38, chrX:108,582,920, plus strand): 5'-CACCCTATCCTCTATGTTTTAAAGGGTTTGCCTGGTGATCCTGGTTACCCTGGTGAACCC[G>C]GAAGGGATGGTGAAAAGGTAAGAATTTTAATACTTTGAAGTGACTGGTTTAGTCTAGCTA-3'
Protein context (NP_203699.1, residues 315-335): PGDPGYPGEP[Gly325Arg]RDGEKGQKGD